The following is an entry in ClinVar:

NM_145290.4(ADGRA3):c.3140G>T (p.Cys1047Phe)

Gene: ADGRA3 (adhesion G protein-coupled receptor A3; minus strand). Cytogenetic location: 4p15.2.
Variant type: single nucleotide variant.
Coding change: c.3140G>T on transcript NM_145290.4 (MANE Select); coding-DNA position 3140, G replaced by T.
Protein change: p.Cys1047Phe; replaces cysteine 1047 with phenylalanine.
Molecular consequence: missense variant.
Genome position (GRCh38, 1-based): chr4:22,388,531, C>A on the plus strand (G>T on the coding strand, the complement: ADGRA3 is on the minus strand). VCF-style: chr4-22388531-C-A. GRCh37 (hg19) VCF-style: chr4-22390154-C-A.
Other names: short protein forms C1047F.
Identifiers: ClinVar variation 1420320 (VCV001420320.6), dbSNP rs2108989255, ClinGen allele CA356473570.

ClinVar aggregate classification (germline): Uncertain significance (1 of 4 stars; one submission).

Submission:

Labcorp Genetics (formerly Invitae), Labcorp
Classification: Uncertain significance. Last evaluated: 2021-10-11. Review status: criteria provided, single submitter. Criteria: Invitae Variant Classification Sherloc (09022015). Collection method: clinical testing. Allele origin: germline.
Comment: In summary, the available evidence is currently insufficient to determine the role of this variant in disease. Therefore, it has been classified as a Variant of Uncertain Significance. Algorithms developed to predict the effect of missense changes on protein structure and function are either unavailable or do not agree on the potential impact of this missense change (SIFT: "Tolerated"; PolyPhen-2: "Probably Damaging"; Align-GVGD: "Class C15"). This variant has not been reported in the literature in individuals affected with ADGRA3-related conditions. This variant is not present in population databases (ExAC no frequency). This sequence change replaces cysteine with phenylalanine at codon 1047 of the ADGRA3 protein (p.Cys1047Phe). The cysteine residue is highly conserved and there is a large physicochemical difference between cysteine and phenylalanine.